The following is an entry in ClinVar:

NM_002528.7(NTHL1):c.433C>T (p.Arg145Ter)

Gene: NTHL1 (nth like DNA glycosylase 1; minus strand). Cytogenetic location: 16p13.3.
Variant type: single nucleotide variant.
Coding change: c.433C>T on transcript NM_002528.7 (MANE Select); coding-DNA position 433, C replaced by T.
Protein change: p.Arg145Ter; replaces arginine 145 with a stop codon.
Molecular consequence: nonsense. On other transcripts: intron variant (1).
Genome position (GRCh38, 1-based): chr16:2,044,722, G>A on the plus strand (C>T on the coding strand, the complement: NTHL1 is on the minus strand). VCF-style: chr16-2044722-G-A. GRCh37 (hg19) VCF-style: chr16-2094723-G-A.
Other names: c.103C>T, p.Arg35Ter (NM_001318194.2); c.355-996C>T (NM_001318193.2); c.433C>T, p.Arg145Ter (LRG_1366t1); short protein forms R35*, R145*.
Identifiers: ClinVar variation 647096 (VCV000647096.17), dbSNP rs374489979, ClinGen allele CA7828260.

ClinVar aggregate classification (germline): Pathogenic/Likely pathogenic. Review status: criteria provided, multiple submitters, no conflicts (2 of 4 stars). 6 submissions from 6 submitters: Pathogenic (4); Likely pathogenic (2). Last evaluated 2026-02-02.

Conditions:
Hereditary cancer-predisposing syndrome. Also called: Neoplastic Syndromes, Hereditary; Hereditary Cancer Syndrome; Tumor predisposition; Hereditary neoplastic syndrome. Identifiers: Orphanet 140162, MedGen C0027672, MeSH D009386, MONDO:0015356.
Familial adenomatous polyposis 3. Also called: NTHL1-associated polyposis; NTHL1-related attenuated familial adenomatous polyposis; NTHL1-Related Adenomatous Polyposis and Colorectal Cancer; NTHL1 Tumor Syndrome. Identifiers: Orphanet 220460, Orphanet 454840, MedGen C4225157, MONDO:0014630, OMIM 616415.

Allele frequency attached by ClinVar (database versions not stated): gnomAD 0.00001; TOPMed 0.00001; ExAC 0.00003; ESP Exome Variant Server 0.00008.

Submissions (6):

Labcorp Genetics (formerly Invitae), Labcorp
Classification: Pathogenic. Last evaluated: 2026-02-02. Review status: criteria provided, single submitter. Criteria: Invitae Variant Classification Sherloc (09022015). Collection method: clinical testing. Allele origin: germline.
Comment: This sequence change creates a premature translational stop signal (p.Arg153*) in the NTHL1 gene. It is expected to result in an absent or disrupted protein product. Loss-of-function variants in NTHL1 are known to be pathogenic (PMID: 25938944, 26559593). This variant is present in population databases (rs374489979, gnomAD 0.007%). This variant has not been reported in the literature in individuals affected with NTHL1-related conditions. ClinVar contains an entry for this variant (Variation ID: 647096). For these reasons, this variant has been classified as Pathogenic.

Ambry Genetics
Classification: Pathogenic for Hereditary cancer-predisposing syndrome. Last evaluated: 2024-07-02. Review status: criteria provided, single submitter. Criteria: Ambry Variant Classification Scheme 2023. Collection method: clinical testing. Allele origin: germline.
Comment: The p.R153* pathogenic mutation (also known as c.457C>T), located in coding exon 3 of the NTHL1 gene, results from a C to T substitution at nucleotide position 457. This changes the amino acid from an arginine to a stop codon within coding exon 3. In one study, this variant was detected in 0/165 colorectal cancer and/or polyposis patients and was identified in 1/2512 control individuals from a healthy population database (Rosenthal EA et al. Hum. Genet. 2018 Oct;137:795-806). In addition to the clinical data presented in the literature, this alteration is expected to result in loss of function by premature protein truncation or nonsense-mediated mRNA decay. As such, this alteration is interpreted as a disease-causing mutation.

Baylor Genetics
Classification: Likely pathogenic for Familial adenomatous polyposis 3. Last evaluated: 2024-03-17. Review status: criteria provided, single submitter. Criteria: ACMG Guidelines, 2015. Collection method: clinical testing. Allele origin: unknown.

Department of Pathology and Laboratory Medicine, Sinai Health System
Classification: Pathogenic for Familial adenomatous polyposis 3. Last evaluated: 2023-09-22. Review status: criteria provided, single submitter. Criteria: ACMG Guidelines, 2015. Collection method: clinical testing. Allele origin: germline. Affected: yes.

Myriad Genetics, Inc.
Classification: Pathogenic for Familial adenomatous polyposis 3. Last evaluated: 2023-09-05. Review status: criteria provided, single submitter. Criteria: Myriad Autosomal Dominant, Autosomal Recessive and X-Linked Classification Criteria (2023). Collection method: clinical testing. Allele origin: unknown.
Comment: This variant is considered pathogenic. This variant creates a termination codon and is predicted to result in premature protein truncation.

GeneDx
Classification: Likely pathogenic. Last evaluated: 2023-07-21. Review status: criteria provided, single submitter. Criteria: GeneDx Variant Classification Process June 2021. Collection method: clinical testing. Allele origin: germline. Affected: yes.
Comment: Nonsense variant predicted to result in protein truncation or nonsense mediated decay in a gene for which loss of function is a known mechanism of disease; Not observed at significant frequency in large population cohorts (gnomAD); Observed in individuals with breast and/or ovarian cancer (Li et al., 2021); Published functional studies demonstrate defective DNA repair (Shinmura et al., 2019); This variant is associated with the following publications: (PMID: 32686686, 33980861, 26559593, 30267214, 25938944, 30552997)

Literature cited by the submitters: PubMed 25938944 (cited by Labcorp Genetics (formerly Invitae), Labcorp); PubMed 26559593 (cited by Labcorp Genetics (formerly Invitae), Labcorp); PubMed 30267214 (cited by Ambry Genetics and Department of Pathology and Laboratory Medicine, Sinai Health System); PubMed 30552997 (cited by Department of Pathology and Laboratory Medicine, Sinai Health System); PubMed 33980861 (cited by Department of Pathology and Laboratory Medicine, Sinai Health System).